The following is an entry in ClinVar:

NM_006904.7(PRKDC):c.8164C>T (p.Arg2722Trp)

Gene: PRKDC (protein kinase, DNA-activated, catalytic subunit; minus strand). Cytogenetic location: 8q11.21.
Variant type: single nucleotide variant.
Coding change: c.8164C>T on transcript NM_006904.7 (MANE Select); coding-DNA position 8164, C replaced by T.
Protein change: p.Arg2722Trp; replaces arginine 2722 with tryptophan.
Molecular consequence: missense variant.
Genome position (GRCh38, 1-based): chr8:47,831,915, G>A on the plus strand (C>T on the coding strand, the complement: PRKDC is on the minus strand). VCF-style: chr8-47831915-G-A. GRCh37 (hg19) VCF-style: chr8-48744476-G-A.
Other names: c.8164C>T, p.Arg2722Trp (NM_001081640.2); short protein forms R2722W.
Identifiers: ClinVar variation 4742981 (VCV004742981.1).

ClinVar aggregate classification (germline): Uncertain significance (1 of 4 stars; one submission).

Conditions:
Severe combined immunodeficiency due to DNA-PKcs deficiency. Also called: IMMUNODEFICIENCY 26 WITH NEUROLOGIC ABNORMALITIES; Immunodeficiency 26 with or without neurologic abnormalities. Identifiers: Orphanet 317425, MedGen C4014833, MONDO:0014423, OMIM 615966.

gnomAD v4.1: 23 of 1,612,140 alleles (0.0014%); highest among the groups gnomAD compares: South Asian, 0.0022%; no homozygotes.

Submission:

Labcorp Genetics (formerly Invitae), Labcorp
Classification: Uncertain significance for Severe combined immunodeficiency due to DNA-PKcs deficiency. Last evaluated: 2025-10-14. Review status: criteria provided, single submitter. Criteria: Invitae Variant Classification Sherloc (09022015). Collection method: clinical testing. Allele origin: germline.
Comment: This sequence change replaces arginine, which is basic and polar, with tryptophan, which is neutral and slightly polar, at codon 2722 of the PRKDC protein (p.Arg2722Trp). This variant is present in population databases (rs753541454, gnomAD 0.007%). This variant has not been reported in the literature in individuals affected with PRKDC-related conditions. Invitae Evidence Modeling of protein sequence and biophysical properties (such as structural, functional, and spatial information, amino acid conservation, physicochemical variation, residue mobility, and thermodynamic stability) indicates that this missense variant is expected to disrupt PRKDC protein function with a positive predictive value of 80%. In summary, the available evidence is currently insufficient to determine the role of this variant in disease. Therefore, it has been classified as a Variant of Uncertain Significance.